The following is an entry in ClinVar:

ClinVar aggregate classification (germline): Pathogenic/Likely pathogenic. Review status: criteria provided, multiple submitters, no conflicts (2 of 4 stars). 4 submissions from 4 submitters: Pathogenic (2); Likely pathogenic (2). Last evaluated 2025-10-02.

Conditions:
Glutaric aciduria, type 1. Also called: GA I; Glutaryl-CoA dehydrogenase deficiency; Glutaric acidemia type I; Glutaricacidemia Type 1; Glutaricaciduria, type I; Glutaric Acidemia Type 1. Identifiers: Orphanet 25, MedGen C0268595, MONDO:0009281, OMIM 231670.

Allele frequency attached by ClinVar (database versions not stated): gnomAD exomes below 0.00001; ExAC 0.00001.

Submissions (4):

Myriad Genetics, Inc.
Classification: Likely pathogenic for Glutaric aciduria, type 1. Last evaluated: 2025-10-02. Review status: criteria provided, single submitter. Criteria: Myriad Autosomal Dominant, Autosomal Recessive and X-Linked Classification Criteria (2023). Collection method: clinical testing. Allele origin: unknown.
Comment: NM_000159.2(GCDH):c.803G>T(G268V) is a missense variant classified as likely pathogenic in the context of glutaric acidemia, GCDH-related. G268V has been observed in cases with relevant disease (PMID: 24973495). Relevant functional assessments of this variant are not available in the literature. G268V has been observed in referenced population frequency databases. In summary, NM_000159.2(GCDH):c.803G>T(G268V) is a missense variant that has been observed more frequently in cases with the relevant disease than in healthy populations. Please note: this variant was assessed in the context of healthy population screening.

Natera, Inc.
Classification: Likely pathogenic for Glutaric acidemia type 1. Last evaluated: 2025-07-22. Review status: criteria provided, single submitter. Criteria: Natera Variant Classification Schema (03/2026). Collection method: clinical testing. Allele origin: germline.
Comment: The c.803G>T variant in GCDH is a missense variant predicted to cause substitution of glycine to valine at amino acid 268. This variant is rare in the general population with a frequency below the threshold expected for the associated phenotype(s). This variant has been observed in one or more individuals affected with the associated recessive disease, as either homozygous or compound heterozygous with a second variant (PMID: 24973495). Additionally, this variant has been observed to segregate in affected family members (PMID: 24973495). Given the available evidence, this variant is classified as Likely Pathogenic.

Labcorp Genetics (formerly Invitae), Labcorp
Classification: Pathogenic for Glutaric aciduria, type 1. Last evaluated: 2021-09-16. Review status: criteria provided, single submitter. Criteria: Invitae Variant Classification Sherloc (09022015). Collection method: clinical testing. Allele origin: germline.
Comment: This variant is present in population databases (rs765723076, ExAC 0.002%). This missense change has been observed in individual(s) with glutaric aciduria (PMID: 24973495). In at least one individual the data is consistent with the variant being in trans (on the opposite chromosome) from a pathogenic variant. It has also been observed to segregate with disease in related individuals. Advanced modeling of protein sequence and biophysical properties (such as structural, functional, and spatial information, amino acid conservation, physicochemical variation, residue mobility, and thermodynamic stability) performed at Invitae indicates that this missense variant is expected to disrupt GCDH protein function. For these reasons, this variant has been classified as Pathogenic. This sequence change replaces glycine with valine at codon 268 of the GCDH protein (p.Gly268Val). The glycine residue is weakly conserved and there is a moderate physicochemical difference between glycine and valine.

Biochemical Genetics Department, Cyprus Institute of Neurology and Genetics
Classification: Pathogenic for Glutaric aciduria, type 1. Review status: criteria provided, single submitter. Criteria: ACMG Guidelines, 2015. Collection method: clinical testing. Allele origin: germline. Inheritance: Autosomal recessive inheritance. Affected: yes. Observed: 5 variant alleles, 3 compound heterozygotes, 2 homozygotes.
Comment: Six out of the seven carriers of this variant originated from three neighboring villages of Cyprus, suggesting a founder effect. In silico analysis of the p.Gly268Val variant predicted it as deleterious by 4 bioinformatic tools (SIFT, PhD-SNP, Mupro, PANTHER) and benign by three (Polyphen-2, Condel, Eris). The presence of this variant in 5 out of 11 diagnosed GAI Cypriot patients and its absence from large population studies suggest that this variant is probably pathogenic.

Literature cited by the submitters: PubMed 24973495 (cited by 3 submitters).

NM_000159.4(GCDH):c.803G>T (p.Gly268Val)

Gene: GCDH (glutaryl-CoA dehydrogenase; plus strand). Cytogenetic location: 19p13.13.
Variant type: single nucleotide variant.
Coding change: c.803G>T on transcript NM_000159.4 (MANE Select); coding-DNA position 803, G replaced by T.
Protein change: p.Gly268Val; replaces glycine 268 with valine.
Molecular consequence: missense variant. On other transcripts: non-coding transcript variant (2).
Genome position (GRCh38, 1-based): chr19:12,896,372, G>T. VCF-style: chr19-12896372-G-T. GRCh37 (hg19) VCF-style: chr19-13007186-G-T.
Other names: c.803G>T; p.Gly268Val; c.803G>T (NM_000159.3); c.803G>T, p.Gly268Val (NM_013976.5); short protein forms G268V.
Identifiers: ClinVar variation 1299668 (VCV001299668.11), dbSNP rs765723076, ClinGen allele CA9234495.